The following is an entry in ClinVar:

ClinVar aggregate classification (germline): Uncertain significance (1 of 4 stars; one submission).

Submission:

Labcorp Genetics (formerly Invitae), Labcorp
Classification: Uncertain significance. Last evaluated: 2021-10-21. Review status: criteria provided, single submitter. Criteria: Invitae Variant Classification Sherloc (09022015). Collection method: clinical testing. Allele origin: germline.
Comment: A copy number gain of the genomic region encompassing the full coding sequence of the NR2E3 gene has been identified. The boundaries of this event are unknown as they extend beyond the assayed region for this gene and therefore may encompass additional genes. As the precise location of this event is unknown, it may be in tandem or it may be located elsewhere in the genome. This variant has not been reported in the literature in individuals affected with NR2E3-related conditions. In summary, the available evidence is currently insufficient to determine the role of this variant in disease. Therefore, it has been classified as a Variant of Uncertain Significance.

NC_000015.9:g.(?_72103084)_(72110025_?)dup

Gene: NR2E3 (nuclear receptor subfamily 2 group E member 3; plus strand). Cytogenetic location: 15q23.
Variant type: Duplication.
Identifiers: ClinVar variation 1411800 (VCV001411800.3).